The following is an entry in ClinVar:

NM_019023.5(PRMT7):c.1062A>G (p.Glu354=)

Gene: PRMT7 (protein arginine methyltransferase 7; plus strand). Cytogenetic location: 16q22.1.
Variant type: single nucleotide variant.
Coding change: c.1062A>G on transcript NM_019023.5 (MANE Select); coding-DNA position 1062, A replaced by G.
Protein change: p.Glu354=; no amino-acid change (glutamic acid 354 retained).
Molecular consequence: synonymous variant. On other transcripts: non-coding transcript variant (12).
Genome position (GRCh38, 1-based): chr16:68,346,151, A>G. VCF-style: chr16-68346151-A-G. GRCh37 (hg19) VCF-style: chr16-68380054-A-G.
Other names: c.912A>G, p.Glu304= (NM_001184824.4); c.1062A>G, p.Glu354= (NM_001290018.2, NM_001351143.3, NM_001351144.3 and 1 more transcripts); c.855A>G, p.Glu285= (NM_001378020.1); c.825A>G, p.Glu275= (NM_001378021.1, NM_001378022.1, NM_001378023.1).
Identifiers: ClinVar variation 788455 (VCV000788455.12), dbSNP rs75567372, ClinGen allele CA8127320.

ClinVar aggregate classification (germline): Benign. Review status: criteria provided, multiple submitters, no conflicts (2 of 4 stars). 3 submissions from 3 submitters: Benign (2). 1 of the submissions does not count toward it. Last evaluated 2026-01-07.

Conditions:
PRMT7-related disorder. Also called: PRMT7-related condition.

Allele frequency attached by ClinVar (database versions not stated): gnomAD exomes 0.00130 and 0.00350; ExAC 0.00448; 1000 Genomes Project 0.01038; 1000 Genomes Project 30x 0.01124; gnomAD 0.01409 and 0.01519; TOPMed 0.01559; ESP Exome Variant Server 0.01647.
gnomAD v4.1: 4,141 of 1,613,740 alleles (0.26%); highest among the groups gnomAD compares: African/African-American, 4.7%; 79 homozygotes.

Submissions (3):

Labcorp Genetics (formerly Invitae), Labcorp
Classification: Benign. Last evaluated: 2026-01-07. Review status: criteria provided, single submitter. Criteria: Invitae Variant Classification Sherloc (09022015). Collection method: clinical testing. Allele origin: germline.

Breakthrough Genomics
Classification: Benign. Review status: criteria provided, single submitter. Criteria: ACMG Guidelines, 2015. Collection method: not provided. Allele origin: germline. Inheritance: Autosomal recessive inheritance. Affected: yes.

PreventionGenetics, part of Exact Sciences
Classification: Benign for PRMT7-related condition. Last evaluated: 2019-06-26. Review status: no assertion criteria provided. Collection method: clinical testing. Allele origin: germline. Not counted in ClinVar's aggregate classification.
Comment: This variant is classified as benign based on ACMG/AMP sequence variant interpretation guidelines (Richards et al. 2015 PMID: 25741868, with internal and published modifications).